The following is an entry in ClinVar:

Conditions:
Breast-ovarian cancer, familial, susceptibility to, 1 (BROVCA1). Also called: BRCA1 Hereditary Breast and Ovarian Cancer; OVARIAN CANCER, SUSCEPTIBILITY TO. Identifiers: Orphanet 145, MedGen C2676676, MONDO:0011450, OMIM 604370. Disease mechanism: loss of function.

Submission:

Brotman Baty Institute, University of Washington
No classification provided (evidence only). Condition: Breast-ovarian cancer, familial 1. Review status: no classification provided. Collection method: in vitro. Allele origin: not applicable. Functional consequence: functionally_normal.
ClinVar note: "not provided" was previously submitted as the classification for the variant. However, the classification appeared to be based only on an observation of functional data so it was converted to no classification on 2025-07-30.

NM_007294.4(BRCA1):c.4909C>G (p.Pro1637Ala)

Gene: BRCA1 (BRCA1 DNA repair associated; minus strand). Cytogenetic location: 17q21.31.
Variant type: single nucleotide variant.
Coding change: c.4909C>G on transcript NM_007294.4 (MANE Select); coding-DNA position 4909, C replaced by G.
Protein change: p.Pro1637Ala; replaces proline 1637 with alanine.
Molecular consequence: missense variant. On other transcripts: non-coding transcript variant (1).
Genome position (GRCh38, 1-based): chr17:43,071,005, G>C on the plus strand (C>G on the coding strand, the complement: BRCA1 is on the minus strand). VCF-style: chr17-43071005-G-C. GRCh37 (hg19) VCF-style: chr17-41223022-G-C.
Other names: c.4696C>G, p.Pro1566Ala (NM_001407571.1, NM_001407894.1, NM_001407895.1 and 12 more transcripts); c.4975C>G, p.Pro1659Ala (NM_001407581.1, NM_001407582.1); c.4972C>G, p.Pro1658Ala (NM_001407583.1, NM_001407585.1, NM_001407587.1 and 1 more transcripts); c.4969C>G, p.Pro1657Ala (NM_001407590.1, NM_001407591.1); c.4909C>G, p.Pro1637Ala (NM_001407593.1, NM_001407594.1, NM_001407596.1 and 8 more transcripts); c.4906C>G, p.Pro1636Ala (NM_001407616.1, NM_001407617.1, NM_001407618.1 and 17 more transcripts); c.4903C>G, p.Pro1635Ala (NM_001407635.1, NM_001407636.1, NM_001407637.1 and 14 more transcripts); c.4900C>G, p.Pro1634Ala (NM_001407644.1, NM_001407645.1); and 70 more; short protein forms P1637A, P533A, P1658A, P1590A, P1508A, P1509A, P1549A, P1566A.
Identifiers: ClinVar variation 865675 (VCV000865675.3), dbSNP rs876659989, ClinGen allele CA10591704.
Genomic context (GRCh38, chr17:43,071,005, plus strand): 5'-GGCCAGACACCACCATGGACATTCTTTTGTTGACCCTTTCTGTTGAAGCTGTCAATTCTG[G>C]CTTCTCCCTGCTCACACTTTCTTCCATTGCATTATACCCAGCAGTATCAGTAGTATGAGC-3'
Protein context (NP_009225.1, residues 1627-1647): AMEESVSREK[Pro1637Ala]ELTASTERVN